The following is an entry in ClinVar:

NM_001267550.2(TTN):c.98666C>G (p.Thr32889Arg)

Genes: TTN (titin; minus strand), TTN-AS1 (TTN antisense RNA 1; plus strand). Cytogenetic location: 2q31.2.
Variant type: single nucleotide variant.
Coding change: c.98666C>G on transcript NM_001267550.2 (MANE Select); coding-DNA position 98666, C replaced by G.
Protein change: p.Thr32889Arg; replaces threonine 32889 with arginine.
Molecular consequence: missense variant. On other transcripts: non-coding transcript variant (1).
Genome position (GRCh38, 1-based): chr2:178,539,399, G>C on the plus strand (C>G on the coding strand, the complement: TTN is on the minus strand). VCF-style: chr2-178539399-G-C. GRCh37 (hg19) VCF-style: chr2-179404126-G-C.
Other names: c.93743C>G, p.Thr31248Arg (NM_001256850.1); c.71471C>G, p.Thr23824Arg (NM_003319.4); c.90962C>G, p.Thr30321Arg (NM_133378.4); c.71846C>G, p.Thr23949Arg (NM_133432.3); c.72047C>G, p.Thr24016Arg (NM_133437.4); short protein forms T23824R, T23949R, T24016R, T30321R, T31248R, T32889R.
Identifiers: ClinVar variation 3771606 (VCV003771606.13).

ClinVar aggregate classification (germline): Uncertain significance (1 of 4 stars; one submission).

gnomAD v4.1: 1 of 1,611,746 alleles (0.000062%); highest among the groups gnomAD compares: Non-Finnish European, 0.000085%; no homozygotes.

Submission:

CeGaT Center for Human Genetics Tuebingen
Classification: Uncertain significance. Last evaluated: 2025-01-01. Review status: criteria provided, single submitter. Criteria: CeGaT Center For Human Genetics Tuebingen Variant Classification Criteria Version 2. Collection method: clinical testing. Allele origin: germline. Affected: yes. Observed: 1 variant allele.
Comment: TTN: PM2